The following is an entry in ClinVar:

NM_020207.7(ERCC6L2):c.1247C>T (p.Ser416Phe)

Gene: ERCC6L2 (ERCC excision repair 6 like 2; plus strand). Cytogenetic location: 9q22.32.
Variant type: single nucleotide variant.
Coding change: c.1247C>T on transcript NM_020207.7 (MANE Select); coding-DNA position 1247, C replaced by T.
Protein change: p.Ser416Phe; replaces serine 416 with phenylalanine.
Molecular consequence: missense variant. On other transcripts: non-coding transcript variant (1).
Genome position (GRCh38, 1-based): chr9:95,921,263, C>T. VCF-style: chr9-95921263-C-T. GRCh37 (hg19) VCF-style: chr9-98683545-C-T.
Other names: c.1280C>T (NM_001010895.2); c.1247C>T, p.Ser416Phe (NM_001010895.4, NM_001375291.1, NM_001375292.1 and 2 more transcripts); short protein forms S416F.
Identifiers: ClinVar variation 1493815 (VCV001493815.8), dbSNP rs138517503, ClinGen allele CA5139506.

ClinVar aggregate classification (germline): Uncertain significance. Review status: criteria provided, multiple submitters, no conflicts (2 of 4 stars). 3 submissions from 3 submitters: Uncertain significance (3). Last evaluated 2026-01-22.

Conditions:
ERCC6L2-related disorder. Also called: ERCC6L2-related condition.
Inborn genetic diseases. Identifiers: MedGen C0950123, MeSH D030342.

Allele frequency attached by ClinVar (database versions not stated): gnomAD exomes 0.00005 and 0.00011; ExAC 0.00012; gnomAD 0.00043 and 0.00048; ESP Exome Variant Server 0.00054; TOPMed 0.00055; 1000 Genomes Project 30x 0.00078; 1000 Genomes Project 0.00080.

Submissions (3):

Labcorp Genetics (formerly Invitae), Labcorp
Classification: Uncertain significance. Last evaluated: 2026-01-22. Review status: criteria provided, single submitter. Criteria: Invitae Variant Classification Sherloc (09022015). Collection method: clinical testing. Allele origin: germline.
Comment: This sequence change replaces serine, which is neutral and polar, with phenylalanine, which is neutral and non-polar, at codon 427 of the ERCC6L2 protein (p.Ser427Phe). This variant is present in population databases (rs138517503, gnomAD 0.1%). This variant has not been reported in the literature in individuals affected with ERCC6L2-related conditions. ClinVar contains an entry for this variant (Variation ID: 1493815). Experimental studies and prediction algorithms are not available or were not evaluated, and the functional significance of this variant is currently unknown. In summary, the available evidence is currently insufficient to determine the role of this variant in disease. Therefore, it has been classified as a Variant of Uncertain Significance.

PreventionGenetics, part of Exact Sciences
Classification: Uncertain significance for ERCC6L2-related condition. Last evaluated: 2025-12-17. Review status: criteria provided, single submitter. Criteria: ACMG Guidelines, 2015. Collection method: clinical testing. Allele origin: germline.
Comment: The ERCC6L2 c.1280C>T variant is predicted to result in the amino acid substitution p.Ser427Phe. To our knowledge, this variant has not been reported in the literature. This variant is reported in 0.14% of alleles in individuals of African descent in gnomAD. Although we suspect this variant may be benign, at this time, the clinical significance of this variant is uncertain due to the absence of conclusive functional and genetic evidence.

Ambry Genetics
Classification: Uncertain significance for Inborn genetic diseases. Last evaluated: 2025-08-22. Review status: criteria provided, single submitter. Criteria: Ambry Variant Classification Scheme 2023. Collection method: clinical testing. Allele origin: germline.